The following is an entry in ClinVar:

NM_014754.3(PTDSS1):c.1241_1242+21del

Gene: PTDSS1 (phosphatidylserine synthase 1; plus strand). Cytogenetic location: 8q22.1.
Variant type: Deletion.
Coding change: c.1241_1242+21del on transcript NM_014754.3 (MANE Select); coding-DNA position 1241 through 21 bases into the intron after coding-DNA position 1242, 23 bases deleted (AGGTATGGAAGGAGAGGCAGGCA).
Molecular consequence: splice donor variant.
Genome position (GRCh38, 1-based): chr8:96,330,280-96,330,302, AGGTATGGAAGGAGAGGCAGGCA deleted; deleting any 23 consecutive bases within chr8:96,330,279-96,330,302 gives the same sequence; the c. name uses the placement nearest the transcript's 3' end. VCF-style (leftmost placement, unchanged base first): chr8-96330278-AAAGGTATGGAAGGAGAGGCAGGC-A. GRCh37 (hg19) VCF-style: chr8-97342506-AAAGGTATGGAAGGAGAGGCAGGC-A.
Other names: c.803_804+21del (NM_001290225.2).
Identifiers: ClinVar variation 2800012 (VCV002800012.3), dbSNP rs1563587586, ClinGen allele CA918321442.
Genomic context (GRCh38, chr8:96,330,278, plus strand): 5'-CACCACTTTCCTCTGTCTGTACGGCATGATTTGGTATGCAGAACACTATGGTCACCGAGA[AAAGGTATGGAAGGAGAGGCAGGC>A]ATGGCCATTGTTTAAAATAATCACCCCGGGCTCGGCAAATTCGCTCAGAGCACGTGCCTG-3'

ClinVar aggregate classification (germline): Uncertain significance (1 of 4 stars; one submission).

Submission:

Labcorp Genetics (formerly Invitae), Labcorp
Classification: Uncertain significance. Last evaluated: 2023-06-09. Review status: criteria provided, single submitter. Criteria: Invitae Variant Classification Sherloc (09022015). Collection method: clinical testing. Allele origin: germline.
Comment: In summary, the available evidence is currently insufficient to determine the role of this variant in disease. Therefore, it has been classified as a Variant of Uncertain Significance. Algorithms developed to predict the effect of sequence changes on RNA splicing suggest that this variant may disrupt the consensus splice site. This variant has not been reported in the literature in individuals affected with PTDSS1-related conditions. This variant is not present in population databases (gnomAD no frequency). This variant results in the deletion of part of exon 11 (c.1241_1242+21del) of the PTDSS1 gene. It is expected to disrupt RNA splicing. Variants that disrupt the donor or acceptor splice site typically lead to a loss of protein function (PMID: 16199547), however the current clinical and genetic evidence is not sufficient to establish whether loss-of-function variants in PTDSS1 cause disease.

Literature cited by the submitters: PubMed 16199547.